The following is an entry in ClinVar:

ClinVar aggregate classification (germline): Pathogenic (1 of 4 stars; one submission).

Conditions:
Familial adenomatous polyposis 1 (FAP1). Also called: POLYPOSIS, ADENOMATOUS INTESTINAL; FAMILIAL ADENOMATOUS POLYPOSIS 1, ATTENUATED. Identifiers: MedGen C2713442, MONDO:0021056, OMIM 175100. Disease mechanism: loss of function.

Submission:

Myriad Genetics, Inc.
Classification: Pathogenic for Familial adenomatous polyposis 1. Last evaluated: 2023-05-11. Review status: criteria provided, single submitter. Criteria: Myriad Autosomal Dominant, Autosomal Recessive and X-Linked Classification Criteria (2023). Collection method: clinical testing. Allele origin: unknown.
Comment: This variant is considered pathogenic. This variant creates a frameshift predicted to result in premature protein truncation.

NM_000038.6(APC):c.4662_4671del (p.Lys1555fs)

Gene: APC (APC regulator of Wnt signaling pathway; plus strand). Cytogenetic location: 5q22.2.
Variant type: Deletion.
Coding change: c.4662_4671del on transcript NM_000038.6 (MANE Select); coding-DNA positions 4662 to 4671, 10 bases deleted (AAAAACTATT; older notation c.4662_4671delAAAAACTATT).
Protein change: p.Lys1555fs; shifts the reading frame from lysine 1555.
Molecular consequence: frameshift variant. On other transcripts: non-coding transcript variant (2).
Genome position (GRCh38, 1-based): chr5:112,840,256-112,840,265, AAAAACTATT deleted. VCF-style (leftmost placement, unchanged base first): chr5-112840255-AAAAAACTATT-A. GRCh37 (hg19) VCF-style: chr5-112175952-AAAAAACTATT-A.
Other names: c.4662_4671del, p.Lys1555fs (NM_001127510.3, NM_001354895.2, NM_001407450.1); c.4608_4617del, p.Lys1537fs (NM_001127511.3); c.4716_4725del, p.Lys1573fs (NM_001354896.2, NM_001407447.1, NM_001407448.1 and 1 more transcripts); c.4692_4701del, p.Lys1565fs (NM_001354897.2); c.4587_4596del, p.Lys1530fs (NM_001354898.2); c.4578_4587del, p.Lys1527fs (NM_001354899.2); c.4539_4548del, p.Lys1514fs (NM_001354900.2); c.4485_4494del, p.Lys1496fs (NM_001354901.2, NM_001407453.1); and 11 more; short protein forms K1171fs, K1272fs, K1395fs, K1426fs, K1429fs, K1454fs, K1464fs, K1472fs.
Identifiers: ClinVar variation 2583722 (VCV002583722.2), dbSNP rs2533590197, ClinGen allele CA2582341335.